The following is an entry in ClinVar:

ClinVar aggregate classification (germline): Uncertain significance. Review status: criteria provided, multiple submitters, no conflicts (2 of 4 stars). 2 submissions from 2 submitters: Uncertain significance (2). Last evaluated 2022-10-03.

Conditions:
Inborn genetic diseases. Identifiers: MedGen C0950123, MeSH D030342.
Congenital myasthenic syndrome 17. Identifiers: Orphanet 590, MedGen C4225377, MONDO:0014578, OMIM 616304.
Cenani-Lenz syndactyly syndrome. Also called: SYNDACTYLY, TYPE VII; CENANI SYNDACTYLISM. Identifiers: Orphanet 3258, MedGen C1859309, MONDO:0008931, OMIM 212780.
Sclerosteosis 2 (SOST2). Identifiers: Orphanet 3152, MedGen C3280402, MONDO:0013679, OMIM 614305.

Allele frequency attached by ClinVar (database versions not stated): gnomAD exomes 0.00001 and 0.00002; ExAC 0.00002; gnomAD 0.00003 and 0.00004; TOPMed 0.00004; ESP Exome Variant Server 0.00008; 1000 Genomes Project 30x 0.00016; 1000 Genomes Project 0.00020.
gnomAD v4.1: 26 of 1,614,162 alleles (0.0016%); highest among the groups gnomAD compares: African/African-American, 0.008%; no homozygotes.

Submissions (2):

Ambry Genetics
Classification: Uncertain significance for Inborn genetic diseases. Last evaluated: 2022-10-03. Review status: criteria provided, single submitter. Criteria: Ambry Variant Classification Scheme 2023. Collection method: clinical testing. Allele origin: germline.

Labcorp Genetics (formerly Invitae), Labcorp
Classification: Uncertain significance for Cenani-Lenz syndactyly syndrome; Sclerosteosis 2; Congenital myasthenic syndrome 17. Last evaluated: 2022-01-06. Review status: criteria provided, single submitter. Criteria: Invitae Variant Classification Sherloc (09022015). Collection method: clinical testing. Allele origin: germline.
Comment: This sequence change replaces threonine, which is neutral and polar, with methionine, which is neutral and non-polar, at codon 1847 of the LRP4 protein (p.Thr1847Met). This variant is present in population databases (rs375391856, gnomAD 0.01%). This variant has not been reported in the literature in individuals affected with LRP4-related conditions. ClinVar contains an entry for this variant (Variation ID: 835789). Algorithms developed to predict the effect of missense changes on protein structure and function are either unavailable or do not agree on the potential impact of this missense change (SIFT: "Deleterious"; PolyPhen-2: "Probably Damaging"; Align-GVGD: "Class C0"). In summary, the available evidence is currently insufficient to determine the role of this variant in disease. Therefore, it has been classified as a Variant of Uncertain Significance.

NM_002334.4(LRP4):c.5540C>T (p.Thr1847Met)

Genes: LRP4 (LDL receptor related protein 4; minus strand), LRP4-AS1 (LRP4 antisense RNA 1; plus strand). Cytogenetic location: 11p11.2.
Variant type: single nucleotide variant.
Coding change: c.5540C>T on transcript NM_002334.4 (MANE Select); coding-DNA position 5540, C replaced by T.
Protein change: p.Thr1847Met; replaces threonine 1847 with methionine.
Molecular consequence: missense variant.
Genome position (GRCh38, 1-based): chr11:46,859,161, G>A on the plus strand (C>T on the coding strand, the complement: LRP4 is on the minus strand). VCF-style: chr11-46859161-G-A. GRCh37 (hg19) VCF-style: chr11-46880712-G-A.
Other names: short protein forms T1847M.
Identifiers: ClinVar variation 835789 (VCV000835789.8), dbSNP rs375391856, ClinGen allele CA5968991.